The following is an entry in ClinVar:

ClinVar aggregate classification (germline): Uncertain significance (1 of 4 stars; one submission).

Conditions:
Immunodeficiency, common variable, 10. Also called: IMMUNODEFICIENCY, COMMON VARIABLE, WITH CENTRAL ADRENAL INSUFFICIENCY; DEFICIT IN ANTERIOR PITUITARY FUNCTION AND VARIABLE IMMUNODEFICIENCY. Identifiers: MedGen C3809991, MONDO:0014260, OMIM 615577.

gnomAD v4.1: 1 of 1,613,752 alleles (0.000062%); highest among the groups gnomAD compares: Non-Finnish European, 0.000085%; no homozygotes.

Submission:

Labcorp Genetics (formerly Invitae), Labcorp
Classification: Uncertain significance for Immunodeficiency, common variable, 10. Last evaluated: 2025-06-22. Review status: criteria provided, single submitter. Criteria: Invitae Variant Classification Sherloc (09022015). Collection method: clinical testing. Allele origin: germline.
Comment: This sequence change replaces leucine, which is neutral and non-polar, with proline, which is neutral and non-polar, at codon 328 of the NFKB2 protein (p.Leu328Pro). This variant is not present in population databases (gnomAD no frequency). This variant has not been reported in the literature in individuals affected with NFKB2-related conditions. An algorithm developed to predict the effect of missense changes on protein structure and function (PolyPhen-2) suggests that this variant is likely to be tolerated. In summary, the available evidence is currently insufficient to determine the role of this variant in disease. Therefore, it has been classified as a Variant of Uncertain Significance.

NM_001322934.2(NFKB2):c.983T>C (p.Leu328Pro)

Gene: NFKB2 (nuclear factor kappa B subunit 2; plus strand). Cytogenetic location: 10q24.32.
Variant type: single nucleotide variant.
Coding change: c.983T>C on transcript NM_001322934.2 (MANE Select); coding-DNA position 983, T replaced by C.
Protein change: p.Leu328Pro; replaces leucine 328 with proline.
Molecular consequence: missense variant.
Genome position (GRCh38, 1-based): chr10:102,398,515, T>C. VCF-style: chr10-102398515-T-C. GRCh37 (hg19) VCF-style: chr10-104158272-T-C.
Other names: c.983T>C, p.Leu328Pro (NM_001077494.3, NM_001261403.3, NM_001288724.1 and 2 more transcripts); short protein forms L328P.
Identifiers: ClinVar variation 4711282 (VCV004711282.1).